The following is an entry in ClinVar:

NM_001113378.2(FANCI):c.3093G>C (p.Leu1031Phe)

Gene: FANCI (FA complementation group I; plus strand). Cytogenetic location: 15q26.1.
Variant type: single nucleotide variant.
Coding change: c.3093G>C on transcript NM_001113378.2 (MANE Select); coding-DNA position 3093, G replaced by C.
Protein change: p.Leu1031Phe; replaces leucine 1031 with phenylalanine.
Molecular consequence: missense variant.
Genome position (GRCh38, 1-based): chr15:89,305,149, G>C. VCF-style: chr15-89305149-G-C. GRCh37 (hg19) VCF-style: chr15-89848380-G-C.
Other names: c.2814G>C, p.Leu938Phe (NM_001376910.1); c.3093G>C, p.Leu1031Phe (NM_001376911.1); c.2913G>C, p.Leu971Phe (NM_018193.3); c.3093G>C (NM_001113378.1); short protein forms L971F, L1031F, L938F.
Identifiers: ClinVar variation 1367034 (VCV001367034.7), dbSNP rs546822799, ClinGen allele CA7723592.
Genomic context (GRCh38, chr15:89,305,149, plus strand): 5'-TAATTTGCTTTTCTTCCTATTCCTAGAGGATGCCTTGTTTTGCAAGAGCTTGATGAACTT[G>C]CTCTTCAGCCTGCATGTTTCGTATAAGAGTCCTGTCATTCTGCTGCGTGACTTGTCCCAG-3'
Protein context (NP_001106849.1, residues 1021-1041): DALFCKSLMN[Leu1031Phe]LFSLHVSYKS

ClinVar aggregate classification (germline): Uncertain significance. Review status: criteria provided, multiple submitters, no conflicts (2 of 4 stars). 2 submissions from 2 submitters: Uncertain significance (2). Last evaluated 2025-02-11.

Conditions:
Fanconi anemia (FA). Also called: Fanconi's anemia. Identifiers: Orphanet 84, MedGen C0015625, MeSH D005199, MONDO:0019391.
Inborn genetic diseases. Identifiers: MedGen C0950123, MeSH D030342.

Allele frequency attached by ClinVar (database versions not stated): gnomAD exomes below 0.00001 and 0.00001; ExAC 0.00001; gnomAD 0.00003; TOPMed 0.00005; 1000 Genomes Project 0.00020; 1000 Genomes Project 30x 0.00031.
gnomAD v4.1: 11 of 1,614,160 alleles (0.00068%); highest among the groups gnomAD compares: African/African-American, 0.011%; no homozygotes.

Submissions (2):

Ambry Genetics
Classification: Uncertain significance for Inborn genetic diseases. Last evaluated: 2025-02-11. Review status: criteria provided, single submitter. Criteria: Ambry Variant Classification Scheme 2023. Collection method: clinical testing. Allele origin: germline.

Labcorp Genetics (formerly Invitae), Labcorp
Classification: Uncertain significance for Fanconi anemia. Last evaluated: 2024-10-31. Review status: criteria provided, single submitter. Criteria: Invitae Variant Classification Sherloc (09022015). Collection method: clinical testing. Allele origin: germline.
Comment: This sequence change replaces leucine, which is neutral and non-polar, with phenylalanine, which is neutral and non-polar, at codon 1031 of the FANCI protein (p.Leu1031Phe). This variant is present in population databases (rs546822799, gnomAD 0.01%). This variant has not been reported in the literature in individuals affected with FANCI-related conditions. ClinVar contains an entry for this variant (Variation ID: 1367034). Invitae Evidence Modeling of protein sequence and biophysical properties (such as structural, functional, and spatial information, amino acid conservation, physicochemical variation, residue mobility, and thermodynamic stability) has been performed for this missense variant. However, the output from this modeling did not meet the statistical confidence thresholds required to predict the impact of this variant on FANCI protein function. In summary, the available evidence is currently insufficient to determine the role of this variant in disease. Therefore, it has been classified as a Variant of Uncertain Significance.